The following is an entry in ClinVar:

NM_024675.4(PALB2):c.796C>G (p.Pro266Ala)

Gene: PALB2 (partner and localizer of BRCA2; minus strand). Cytogenetic location: 16p12.2.
Variant type: single nucleotide variant.
Coding change: c.796C>G on transcript NM_024675.4 (MANE Select); coding-DNA position 796, C replaced by G.
Protein change: p.Pro266Ala; replaces proline 266 with alanine.
Molecular consequence: missense variant. On other transcripts: 5 prime UTR variant (8), intron variant (3).
Genome position (GRCh38, 1-based): chr16:23,635,750, G>C on the plus strand (C>G on the coding strand, the complement: PALB2 is on the minus strand). VCF-style: chr16-23635750-G-C. GRCh37 (hg19) VCF-style: chr16-23647071-G-C.
Other names: c.-90C>G (NM_001407310.1, NM_001407311.1, NM_001407304.1 and 5 more transcripts); c.48+5360C>G (NM_001407314.1); c.-104-5281C>G (NM_001407313.1, NM_001407312.1); c.736C>G, p.Pro246Ala (NM_001407296.1); c.796C>G, p.Pro266Ala (NM_001407297.1, NM_001407298.1, NM_001407299.1 and 3 more transcripts); short protein forms P246A, P266A.
Identifiers: ClinVar variation 5026161 (VCV005026161.1).

ClinVar aggregate classification (germline): Uncertain significance (1 of 4 stars; one submission).

Conditions:
Hereditary cancer-predisposing syndrome. Also called: Neoplastic Syndromes, Hereditary; Tumor predisposition; Hereditary neoplastic syndrome; Hereditary Cancer Syndrome. Identifiers: Orphanet 140162, MedGen C0027672, MeSH D009386, MONDO:0015356.

Submission:

Ambry Genetics
Classification: Uncertain significance for Hereditary cancer-predisposing syndrome. Last evaluated: 2026-07-06. Review status: criteria provided, single submitter. Criteria: Ambry Variant Classification Scheme 2023. Collection method: clinical testing. Allele origin: germline.
Comment: The p.P266A variant (also known as c.796C>G), located in coding exon 4 of the PALB2 gene, results from a C to G substitution at nucleotide position 796. The proline at codon 266 is replaced by alanine, an amino acid with highly similar properties. This amino acid position is conserved. In addition, this alteration is predicted to be tolerated by in silico analysis. Based on the available evidence, the clinical significance of this variant remains unclear.